The following is an entry in ClinVar:

NM_012318.3(LETM1):c.101C>T (p.Ala34Val)

Gene: LETM1 (leucine zipper and EF-hand containing transmembrane protein 1; minus strand). Cytogenetic location: 4p16.3.
Variant type: single nucleotide variant.
Coding change: c.101C>T on transcript NM_012318.3 (MANE Select); coding-DNA position 101, C replaced by T.
Protein change: p.Ala34Val; replaces alanine 34 with valine.
Molecular consequence: missense variant.
Genome position (GRCh38, 1-based): chr4:1,849,191, G>A on the plus strand (C>T on the coding strand, the complement: LETM1 is on the minus strand). VCF-style: chr4-1849191-G-A. GRCh37 (hg19) VCF-style: chr4-1850918-G-A.
Other names: short protein forms A34V.
Identifiers: ClinVar variation 4773176 (VCV004773176.1).
Genomic context (GRCh38, chr4:1,849,191, plus strand): 5'-TGATACTGATTTACTCACAGGCAGTTCCTCAACCCCAGGGTGCTGGCACAGCTGAGATGA[G>A]CAGGATCCCCTGGACTACCTGTAACAGGAACAGGGGAAAATAAATGAGTAGTAAATCAGG-3'
Protein context (NP_036450.1, residues 24-44): TVPRGSPGDP[Ala34Val]HLSCASTLGL

ClinVar aggregate classification (germline): Uncertain significance (1 of 4 stars; one submission).

gnomAD v4.1: 9 of 1,612,838 alleles (0.00056%); highest among the groups gnomAD compares: Non-Finnish European, 0.00068%; no homozygotes.

Submission:

Labcorp Genetics (formerly Invitae), Labcorp
Classification: Uncertain significance. Last evaluated: 2025-02-11. Review status: criteria provided, single submitter. Criteria: Invitae Variant Classification Sherloc (09022015). Collection method: clinical testing. Allele origin: germline.
Comment: This sequence change replaces alanine, which is neutral and non-polar, with valine, which is neutral and non-polar, at codon 34 of the LETM1 protein (p.Ala34Val). This variant is present in population databases (rs761082505, gnomAD 0.0009%). This variant has not been reported in the literature in individuals affected with LETM1-related conditions. An algorithm developed to predict the effect of missense changes on protein structure and function (PolyPhen-2) suggests that this variant is likely to be tolerated. In summary, the available evidence is currently insufficient to determine the role of this variant in disease. Therefore, it has been classified as a Variant of Uncertain Significance.